The following is an entry in ClinVar:

NM_000535.7(PMS2):c.2169C>T (p.Leu723=)

Gene: PMS2 (PMS1 homolog 2, mismatch repair system component; minus strand). Cytogenetic location: 7p22.1.
Variant type: single nucleotide variant.
Coding change: c.2169C>T on transcript NM_000535.7 (MANE Select); coding-DNA position 2169, C replaced by T.
Protein change: p.Leu723=; no amino-acid change (leucine 723 retained).
Molecular consequence: synonymous variant. On other transcripts: non-coding transcript variant (1).
Genome position (GRCh38, 1-based): chr7:5,982,829, G>A on the plus strand (C>T on the coding strand, the complement: PMS2 is on the minus strand). VCF-style: chr7-5982829-G-A. GRCh37 (hg19) VCF-style: chr7-6022460-G-A.
Other names: c.1764C>T, p.Leu588= (NM_001322003.2, NM_001322004.2, NM_001322005.2 and 1 more transcripts); c.2013C>T, p.Leu671= (NM_001322006.2); c.1851C>T, p.Leu617= (NM_001322007.2, NM_001322008.2); c.1608C>T, p.Leu536= (NM_001322010.2); c.1236C>T, p.Leu412= (NM_001322011.2, NM_001322012.2); c.1596C>T, p.Leu532= (NM_001322013.2); c.2169C>T, p.Leu723= (NM_001322014.2); c.1860C>T, p.Leu620= (NM_001322015.2); and 1 more.
Identifiers: ClinVar variation 1089085 (VCV001089085.12), dbSNP rs1782434028, ClinGen allele CA453642993.

ClinVar aggregate classification (germline): Benign/Likely benign. Review status: criteria provided, multiple submitters, no conflicts (2 of 4 stars). 4 submissions from 4 submitters: Benign (1); Likely benign (3). Last evaluated 2026-01-19.

Conditions:
Hereditary cancer-predisposing syndrome. Also called: Hereditary Cancer Syndrome; Neoplastic Syndromes, Hereditary; Hereditary neoplastic syndrome; Tumor predisposition. Identifiers: Orphanet 140162, MedGen C0027672, MeSH D009386, MONDO:0015356.
Hereditary nonpolyposis colorectal neoplasms. Identifiers: MedGen C0009405, MeSH D003123.
Lynch syndrome 4 (LYNCH4). Also called: Hereditary non-polyposis colorectal cancer, type 4; Colorectal cancer, hereditary nonpolyposis, type 4. Identifiers: Orphanet 144, MedGen C1838333, MONDO:0013699, OMIM 614337. Disease mechanism: loss of function.

Allele frequency attached by ClinVar (database versions not stated): gnomAD exomes below 0.00001; TOPMed below 0.00001.
gnomAD v4.1: 1 of 1,609,196 alleles (0.000062%); highest among the groups gnomAD compares: South Asian, 0.0011%; no homozygotes.

Submissions (4):

Labcorp Genetics (formerly Invitae), Labcorp
Classification: Likely benign for Hereditary nonpolyposis colorectal neoplasms. Last evaluated: 2026-01-19. Review status: criteria provided, single submitter. Criteria: Invitae Variant Classification Sherloc (09022015). Collection method: clinical testing. Allele origin: germline.

Color Diagnostics, LLC DBA Color Health
Classification: Likely benign for Hereditary cancer-predisposing syndrome. Last evaluated: 2025-06-17. Review status: criteria provided, single submitter. Criteria: ACMG Guidelines, 2015. Collection method: clinical testing. Allele origin: germline.

Myriad Genetics, Inc.
Classification: Benign for Lynch syndrome 4. Last evaluated: 2025-02-03. Review status: criteria provided, single submitter. Criteria: Myriad Autosomal Dominant, Autosomal Recessive and X-Linked Classification Criteria (2023). Collection method: clinical testing. Allele origin: unknown.
Comment: This variant is considered benign. This variant is a silent/synonymous amino acid change and it is not expected to impact splicing.

Ambry Genetics
Classification: Likely benign for Hereditary cancer-predisposing syndrome. Last evaluated: 2023-02-04. Review status: criteria provided, single submitter. Criteria: Ambry Variant Classification Scheme 2023. Collection method: clinical testing. Allele origin: germline.